The following is an entry in ClinVar:

NM_021012.5(KCNJ12):c.554C>T (p.Ala185Val)

Gene: KCNJ12 (potassium inwardly rectifying channel subfamily J member 12; plus strand). Cytogenetic location: 17p11.2.
Variant type: single nucleotide variant.
Coding change: c.554C>T on transcript NM_021012.5 (MANE Select); coding-DNA position 554, C replaced by T.
Protein change: p.Ala185Val; replaces alanine 185 with valine.
Molecular consequence: missense variant.
Genome position (GRCh38, 1-based): chr17:21,415,896, C>T. VCF-style: chr17-21415896-C-T. GRCh37 (hg19) VCF-style: chr17-21319208-C-T.
Other names: short protein forms A185V.
Identifiers: ClinVar variation 3060232 (VCV003060232.2), dbSNP rs73979896, ClinGen allele CA8451169.

ClinVar aggregate classification (germline): Benign (0 of 4 stars; one submission).

Conditions:
KCNJ12-related disorder. Also called: KCNJ12-related condition.

Allele frequency attached by ClinVar (database versions not stated): ExAC 0.46428; 1000 Genomes Project 30x 0.50000.

Submission:

PreventionGenetics, part of Exact Sciences
Classification: Benign for KCNJ12-related condition. Last evaluated: 2019-10-17. Review status: no assertion criteria provided. Collection method: clinical testing. Allele origin: germline.
Comment: This variant is classified as benign based on ACMG/AMP sequence variant interpretation guidelines (Richards et al. 2015 PMID: 25741868, with internal and published modifications).